The following is an entry in ClinVar:

ClinVar aggregate classification (germline): Uncertain significance (1 of 4 stars; one submission).

Conditions:
Hereditary pheochromocytoma and paraganglioma. Also called: Hereditary paragangliomas and pheochromocytomas; Hereditary pheochromocytoma-paraganglioma; Hereditary Paraganglioma-Pheochromocytoma Syndromes. Identifiers: Orphanet 29072, MedGen C4274332, MONDO:0017366.

Submission:

Labcorp Genetics (formerly Invitae), Labcorp
Classification: Uncertain significance for Hereditary pheochromocytoma and paraganglioma. Last evaluated: 2020-06-13. Review status: criteria provided, single submitter. Criteria: Invitae Variant Classification Sherloc (09022015). Collection method: clinical testing. Allele origin: germline.
Comment: This sequence change falls in intron 1 of the SDHAF2 gene. It does not directly change the encoded amino acid sequence of the SDHAF2 protein, but it affects a nucleotide within the consensus splice site of the intron. This variant is not present in population databases (ExAC no frequency). This variant has not been reported in the literature in individuals with SDHAF2-related conditions. Nucleotide substitutions within the consensus splice site are a relatively common cause of aberrant splicing (PMID: 17576681, 9536098). Algorithms developed to predict the effect of sequence changes on RNA splicing suggest that this variant may disrupt the consensus splice site, but this prediction has not been confirmed by published transcriptional studies. In summary, the available evidence is currently insufficient to determine the role of this variant in disease. Therefore, it has been classified as a Variant of Uncertain Significance.

Literature cited by the submitters: PubMed 17576681; PubMed 9536098.

NM_017841.4(SDHAF2):c.36+5G>A

Gene: SDHAF2 (succinate dehydrogenase complex assembly factor 2; plus strand). Cytogenetic location: 11q12.2.
Variant type: single nucleotide variant.
Coding change: c.36+5G>A on transcript NM_017841.4 (MANE Select); 5 bases into the intron after coding-DNA position 36, G replaced by A.
Molecular consequence: intron variant.
Genome position (GRCh38, 1-based): chr11:61,430,187, G>A. VCF-style: chr11-61430187-G-A. GRCh37 (hg19) VCF-style: chr11-61197659-G-A.
Identifiers: ClinVar variation 655693 (VCV000655693.2), dbSNP rs1590759705, ClinGen allele CA915948200.
Genomic context (GRCh38, chr11:61,430,187, plus strand): 5'-TTCCGGTGCAGGTGGGGAAAATGGCGGTGTCTACAGTGTTCTCGACTTCGTCGCTGGTGA[G>A]GAGAGAGAACGTTCTAGCGTCCGGGGCGGGCGGCAGCGGGGATTACCCTTTGTCTTCCTC-3'